The following is an entry in ClinVar:

NM_000443.4(ABCB4):c.462del (p.His155fs)

Gene: ABCB4 (ATP binding cassette subfamily B member 4; minus strand). Cytogenetic location: 7q21.12.
Variant type: Deletion.
Coding change: c.462del on transcript NM_000443.4 (MANE Select); coding-DNA position 462, one base deleted (T; older notation c.462delT).
Protein change: p.His155fs; shifts the reading frame from histidine 155.
Molecular consequence: frameshift variant.
Genome position (GRCh38, 1-based): chr7:87,453,018, A deleted on the plus strand (T on the coding strand, the reverse complement: ABCB4 is on the minus strand); the first of 6 consecutive A bases (chr7:87,453,018-87,453,023); deleting any one gives the same sequence. VCF-style (leftmost placement, unchanged base first): chr7-87453017-GA-G. GRCh37 (hg19) VCF-style: chr7-87082333-GA-G.
Other names: c.462del, p.His155fs (NM_018849.3, NM_018850.3); short protein forms H155fs.
Identifiers: ClinVar variation 4846489 (VCV004846489.1).

ClinVar aggregate classification (germline): Likely pathogenic (1 of 4 stars; one submission).

Conditions:
Familial intrahepatic cholestasis. Identifiers: Orphanet 284385, MedGen CN296401, MONDO:0017290.
Low phospholipid associated cholelithiasis (GBD1). Also called: Gallbladder disease 1; Gallstone cholecystitis. Identifiers: Orphanet 69663, MedGen C2609268, MONDO:0010939, OMIM 600803.

Submission:

Genomenon, Inc
Classification: Likely pathogenic for Familial intrahepatic cholestasis; Low phospholipid associated cholelithiasis. Last evaluated: 2026-04-14. Review status: criteria provided, single submitter. Criteria: Genomenon Sequence Variant Interpretation Standards - Updated. Collection method: curation. Allele origin: germline. Affected: no.
Comment: ABCB4 p.His155MetfsTer8 (c.462del) is a frameshift variant that results in the production of a truncated protein which is predicted to undergo nonsense-mediated mRNA decay. This variant has been reported in the published literature (PMID:38374565). It is absent or not present at a significant frequency in gnomAD. In conclusion, we classify ABCB4 p.His155MetfsTer8 (c.462del) as a likely pathogenic variant.

Literature cited by the submitters: PubMed 38374565.